The following is an entry in ClinVar:

ClinVar aggregate classification (germline): Pathogenic/Likely pathogenic. Review status: criteria provided, multiple submitters, no conflicts (2 of 4 stars). 6 submissions from 6 submitters: Pathogenic (5); Likely pathogenic (1). Last evaluated 2026-07-13.

Conditions:
Hereditary cancer-predisposing syndrome. Also called: Tumor predisposition; Neoplastic Syndromes, Hereditary; Hereditary neoplastic syndrome; Hereditary Cancer Syndrome. Identifiers: Orphanet 140162, MedGen C0027672, MeSH D009386, MONDO:0015356.
Inherited breast cancer and ovarian cancer.
Familial cancer of breast. Also called: BREAST CANCER, FAMILIAL; hereditary breast carcinoma; Hereditary breast cancer. Identifiers: Orphanet 227535, MedGen C0346153, MONDO:0016419, OMIM 114480. Disease mechanism: loss of function.
Ataxia-telangiectasia syndrome (AT). Also called: Cerebello-oculocutaneous telangiectasia; Immunodeficiency with ataxia telangiectasia; Ataxia-telangiectasia, complementation group E; Ataxia-telangiectasia, complementation group D; AT, COMPLEMENTATION GROUP C; ATAXIA-TELANGIECTASIA, COMPLEMENTATION GROUP A. Identifiers: Orphanet 100, MedGen C0004135, MONDO:0008840, OMIM 208900.

Allele frequency attached by ClinVar (database versions not stated): gnomAD exomes below 0.00001.

Submissions (6):

Genetics Laboratory, Great Ormond Street Hospital NHS Foundation Trust, North Thames Genomic Laboratory Hub
Classification: Pathogenic for Inherited breast cancer and ovarian cancer. Last evaluated: 2026-07-13. Review status: criteria provided, single submitter. Criteria: CanVIG ATM Gene Specific V1.2. Collection method: clinical testing. Allele origin: germline. Affected: yes.
Comment: PM2_supporting, PVS1_very-strong, PM3_moderate

Myriad Genetics, Inc.
Classification: Pathogenic for Familial cancer of breast. Last evaluated: 2024-01-17. Review status: criteria provided, single submitter. Criteria: Myriad Autosomal Dominant, Autosomal Recessive and X-Linked Classification Criteria (2023). Collection method: clinical testing. Allele origin: unknown.
Comment: This variant is considered pathogenic. This variant creates a termination codon and is predicted to result in premature protein truncation.

Baylor Genetics
Classification: Pathogenic for Familial cancer of breast. Last evaluated: 2023-10-16. Review status: criteria provided, single submitter. Criteria: ACMG Guidelines, 2015. Collection method: clinical testing. Allele origin: unknown.

Ambry Genetics
Classification: Pathogenic for Hereditary cancer-predisposing syndrome. Last evaluated: 2023-06-28. Review status: criteria provided, single submitter. Criteria: Ambry Variant Classification Scheme 2023. Collection method: clinical testing. Allele origin: germline.
Comment: The c.2192dupA pathogenic mutation, located in coding exon 13 of the ATM gene, results from a duplication of A at nucleotide position 2192, causing a translational frameshift with a predicted alternate stop codon (p.Y731*). This truncating mutation (described as c.2192_2193insA) was identified in conjunction with a second mutation in a cohort of Italian patients with classic ataxia telangiectasia (A-T) (Saviozzi S et al. Hum. Mutat. 2003 Apr; 21(4):450). In addition to the clinical data presented in the literature, this alteration is expected to result in loss of function by premature protein truncation or nonsense-mediated mRNA decay. As such, this alteration is interpreted as a disease-causing mutation.

Labcorp Genetics (formerly Invitae), Labcorp
Classification: Pathogenic for Ataxia-telangiectasia syndrome. Last evaluated: 2023-06-07. Review status: criteria provided, single submitter. Criteria: Invitae Variant Classification Sherloc (09022015). Collection method: clinical testing. Allele origin: germline.
Comment: This variant is present in population databases (no rsID available, gnomAD 0.0009%). For these reasons, this variant has been classified as Pathogenic. ClinVar contains an entry for this variant (Variation ID: 633063). This variant is also known as c.2192_2193insA. This premature translational stop signal has been observed in individual(s) with ataxia-telangiectasia (PMID: 12655570). This sequence change creates a premature translational stop signal (p.Tyr731*) in the ATM gene. It is expected to result in an absent or disrupted protein product. Loss-of-function variants in ATM are known to be pathogenic (PMID: 23807571, 25614872).

Women's Health and Genetics/Laboratory Corporation of America, LabCorp
Classification: Likely pathogenic for Ataxia-telangiectasia syndrome. Last evaluated: 2018-12-14. Review status: criteria provided, single submitter. Criteria: LabCorp Variant Classification Summary - May 2015. Collection method: clinical testing. Allele origin: germline.
Comment: Variant summary: ATM c.2192dupA (p.Tyr731X) results in a premature termination codon, predicted to cause a truncation of the encoded protein or absence of the protein due to nonsense mediated decay, which are commonly known mechanisms for disease. Truncations downstream of this position have been classified as pathogenic by our laboratory (eg. c.3049C>T (p.Gln1017X), c.3372C>G (p.Tyr1124X), c.3663G>A (p.Trp1221X)). The variant allele was found at a frequency of 4.1e-06 in 246020 control chromosomes (gnomAD). c.2192dupA has been reported in the literature in individuals affected with Ataxia-Telangiectasia and Breast Cancer (Nunziato_2019, Magliozzi_2006, Saviozzi_2003). These data indicate that the variant may be associated with disease. To our knowledge, no experimental evidence demonstrating an impact on protein function has been reported. No clinical diagnostic laboratories have submitted clinical-significance assessments for this variant to ClinVar. However, a ClinVar submission from a clinical diagnostic laboratory (evaluation after 2014) exists for a different variant (ATM c.2193C>A) which causes the same protein alteration (p.Tyr731*) as the variant reported here; the specific variant is cited in ClinVar as pathogenic. Based on the evidence outlined above, the variant was classified as likely pathogenic.

Literature cited by the submitters: PubMed 12655570 (cited by 3 submitters); PubMed 17124347 (cited by Ambry Genetics and Women's Health and Genetics/Laboratory Corporation of America, LabCorp); PubMed 29922827 (cited by Ambry Genetics); PubMed 30482293 (cited by Ambry Genetics and Women's Health and Genetics/Laboratory Corporation of America, LabCorp); PubMed 23807571 (cited by Labcorp Genetics (formerly Invitae), Labcorp); PubMed 25614872 (cited by Labcorp Genetics (formerly Invitae), Labcorp).

NM_000051.4(ATM):c.2192dup (p.Tyr731Ter)

Gene: ATM (ATM serine/threonine kinase; plus strand). Cytogenetic location: 11q22.3.
Variant type: Duplication.
Coding change: c.2192dup on transcript NM_000051.4 (MANE Select); coding-DNA position 2192, one base duplicated (A; older notation c.2192dupA).
Protein change: p.Tyr731Ter; replaces tyrosine 731 with a stop codon.
Molecular consequence: nonsense.
Genome position (GRCh38, 1-based): chr11:108,256,282, A duplicated. VCF-style (leftmost placement, unchanged base first): chr11-108256281-T-TA. GRCh37 (hg19) VCF-style: chr11-108127008-T-TA.
Other names: c.2192dup, p.Tyr731Ter (NM_001351834.2); c.2192dupA (NM_000051.3); short protein forms Y731*.
Identifiers: ClinVar variation 633063 (VCV000633063.16), dbSNP rs1478081526, ClinGen allele CA601696181.